The following is an entry in ClinVar:

NM_004415.4(DSP):c.1942G>T (p.Asp648Tyr)

Gene: DSP (desmoplakin; plus strand). Cytogenetic location: 6p24.3.
Variant type: single nucleotide variant.
Coding change: c.1942G>T on transcript NM_004415.4 (MANE Select); coding-DNA position 1942, G replaced by T.
Protein change: p.Asp648Tyr; replaces aspartic acid 648 with tyrosine.
Molecular consequence: missense variant.
Genome position (GRCh38, 1-based): chr6:7,571,880, G>T. VCF-style: chr6-7571880-G-T. GRCh37 (hg19) VCF-style: chr6-7572113-G-T.
Other names: c.1942G>T, p.Asp648Tyr (NM_001008844.3, NM_001319034.2); c.1942G>T (LRG_423t1); short protein forms D648Y.
Identifiers: ClinVar variation 191636 (VCV000191636.2), dbSNP rs200409452, ClinGen allele CA005194.

ClinVar aggregate classification (germline): Uncertain significance. Review status: criteria provided, multiple submitters, no conflicts (2 of 4 stars). 2 submissions from 2 submitters: Uncertain significance (2). Last evaluated 2023-06-26.

Conditions:
Arrhythmogenic cardiomyopathy with wooly hair and keratoderma. Also called: Arrhythmogenic cardiomyopathy with woolly hair and keratoderma; Dilated cardiomyopathy with woolly hair and keratoderma; PALMOPLANTAR KERATODERMA WITH LEFT VENTRICULAR CARDIOMYOPATHY AND WOOLLY HAIR; Carvajal syndrome. Identifiers: Orphanet 65282, MedGen C1854063, MONDO:0011581, OMIM 605676.

Submissions (2):

All of Us Research Program, National Institutes of Health
Classification: Uncertain significance for Arrhythmogenic cardiomyopathy with wooly hair and keratoderma. Last evaluated: 2023-06-26. Review status: criteria provided, single submitter. Criteria: ACMG Guidelines, 2015. Collection method: clinical testing. Allele origin: germline. Inheritance: Autosomal dominant inheritance. Observed: 1 variant allele, 1 heterozygote.
Comment: This missense variant replaces aspartic acid with tyrosine at codon 648 of the DSP protein. Computational prediction suggests that this variant may not impact protein structure and function (internally defined REVEL score threshold <= 0.5, PMID: 27666373). To our knowledge, functional studies have not been reported for this variant. This variant has not been reported in individuals affected with DSP-related disorders in the literature. This variant has not been identified in the general population by the Genome Aggregation Database (gnomAD). The available evidence is insufficient to determine the role of this variant in disease conclusively. Therefore, this variant is classified as a Variant of Uncertain Significance.

This study involves interpretation of variants in research participants for the purpose of population health screening. Participant phenotype was not available at the time of variant classification. Additional details can be found in publication PMID: 35346344, PMCID: PMC8962531

Biesecker Lab/Clinical Genomics Section, National Institutes of Health
Classification: Uncertain significance. Last evaluated: 2013-06-24. Review status: criteria provided, single submitter. Criteria: Ng et al. (Circ Cardiovasc Genet. 2013). Collection method: research. Allele origin: unknown. Observed: 1 variant allele. Study: ClinSeq.
Comment: The study set was not selected for affection status in relation to any cancer. Pathogenicity categories were based on literature curation. See Pubmed ID:23861362 for details.

Medical sequencing